The following is an entry in ClinVar:

ClinVar aggregate classification (germline): Uncertain significance (1 of 4 stars; one submission).

Conditions:
Brugada syndrome 6 (BRGDA6). Identifiers: Orphanet 130, MedGen C2751089, MONDO:0013145, OMIM 613119.

Allele frequency attached by ClinVar (database versions not stated): gnomAD exomes below 0.00001; ExAC 0.00001.

Submission:

Labcorp Genetics (formerly Invitae), Labcorp
Classification: Uncertain significance for Brugada syndrome 6. Last evaluated: 2022-10-18. Review status: criteria provided, single submitter. Criteria: Invitae Variant Classification Sherloc (09022015). Collection method: clinical testing. Allele origin: germline.
Comment: This variant has not been reported in the literature in individuals affected with KCNE3-related conditions. In summary, the available evidence is currently insufficient to determine the role of this variant in disease. Therefore, it has been classified as a Variant of Uncertain Significance. Algorithms developed to predict the effect of missense changes on protein structure and function output the following: SIFT: "Tolerated"; PolyPhen-2: "Benign"; Align-GVGD: "Class C0". The alanine amino acid residue is found in multiple mammalian species, which suggests that this missense change does not adversely affect protein function. ClinVar contains an entry for this variant (Variation ID: 1477151). This variant is present in population databases (rs764834315, gnomAD 0.0009%). This sequence change replaces glutamic acid, which is acidic and polar, with alanine, which is neutral and non-polar, at codon 45 of the KCNE3 protein (p.Glu45Ala).

NM_005472.5(KCNE3):c.134A>C (p.Glu45Ala)

Gene: KCNE3 (potassium voltage-gated channel subfamily E regulatory subunit 3; minus strand). Cytogenetic location: 11q13.4.
Variant type: single nucleotide variant.
Coding change: c.134A>C on transcript NM_005472.5 (MANE Select); coding-DNA position 134, A replaced by C.
Protein change: p.Glu45Ala; replaces glutamic acid 45 with alanine.
Molecular consequence: missense variant.
Genome position (GRCh38, 1-based): chr11:74,457,430, T>G on the plus strand (A>C on the coding strand, the complement: KCNE3 is on the minus strand). VCF-style: chr11-74457430-T-G. GRCh37 (hg19) VCF-style: chr11-74168475-T-G.
Other names: short protein forms E45A.
Identifiers: ClinVar variation 1477151 (VCV001477151.6), dbSNP rs764834315, ClinGen allele CA6184851.